The following is an entry in ClinVar:

NM_020964.3(EPG5):c.1531C>G (p.His511Asp)

Gene: EPG5 (ectopic P-granules 5 autophagy tethering factor; minus strand). Cytogenetic location: 18q21.1.
Variant type: single nucleotide variant.
Coding change: c.1531C>G on transcript NM_020964.3 (MANE Select); coding-DNA position 1531, C replaced by G.
Protein change: p.His511Asp; replaces histidine 511 with aspartic acid.
Molecular consequence: missense variant.
Genome position (GRCh38, 1-based): chr18:45,948,543, G>C on the plus strand (C>G on the coding strand, the complement: EPG5 is on the minus strand). VCF-style: chr18-45948543-G-C. GRCh37 (hg19) VCF-style: chr18-43528509-G-C.
Other names: c.1531C>G, p.His511Asp (LRG_1234t1); short protein forms H511D.
Identifiers: ClinVar variation 466237 (VCV000466237.11), dbSNP rs762634619, ClinGen allele CA8949689.
Genomic context (GRCh38, chr18:45,948,543, plus strand): 5'-CAAAGCTCTTGCACACTTACTTGACAGGAGACATCAGCAGGGCAAGGGATTGCATAAAAT[G>C]AAAGACCCCTGATGGGTTATGCAACACTTTGATCTGAAATCAGAAAAGCAAAAAGCATAC-3'
Protein context (NP_066015.2, residues 501-521): KVLHNPSGVF[His511Asp]FMQSLALLMS

ClinVar aggregate classification (germline): Conflicting classifications of pathogenicity. Review status: criteria provided, conflicting classifications (1 of 4 stars). 4 submissions from 4 submitters: Uncertain significance (2); Likely benign (1). 1 of the submissions does not count toward it. Last evaluated 2025-01-11.

Conditions:
Vici syndrome (VICIS). Identifiers: Orphanet 1493, MedGen C1855772, MONDO:0009452, OMIM 242840.
EPG5-related disorder. Also called: EPG5-related condition. Identifiers: MedGen CN381528.
Inborn genetic diseases. Identifiers: MedGen C0950123, MeSH D030342.

Allele frequency attached by ClinVar (database versions not stated): gnomAD 0.00004; TOPMed 0.00009; ExAC 0.00020; gnomAD exomes 0.00024.
gnomAD v4.1: 68 of 1,613,820 alleles (0.0042%); highest among the groups gnomAD compares: Admixed American, 0.11%; no homozygotes.

Submissions (4):

Labcorp Genetics (formerly Invitae), Labcorp
Classification: Uncertain significance for Vici syndrome. Last evaluated: 2025-01-11. Review status: criteria provided, single submitter. Criteria: Invitae Variant Classification Sherloc (09022015). Collection method: clinical testing. Allele origin: germline.
Comment: This sequence change replaces histidine, which is basic and polar, with aspartic acid, which is acidic and polar, at codon 511 of the EPG5 protein (p.His511Asp). This variant is present in population databases (rs762634619, gnomAD 0.2%). This variant has not been reported in the literature in individuals affected with EPG5-related conditions. ClinVar contains an entry for this variant (Variation ID: 466237). Invitae Evidence Modeling of protein sequence and biophysical properties (such as structural, functional, and spatial information, amino acid conservation, physicochemical variation, residue mobility, and thermodynamic stability) indicates that this missense variant is expected to disrupt EPG5 protein function with a positive predictive value of 80%. In summary, the available evidence is currently insufficient to determine the role of this variant in disease. Therefore, it has been classified as a Variant of Uncertain Significance.

GeneDx
Classification: Uncertain significance. Last evaluated: 2024-11-21. Review status: criteria provided, single submitter. Criteria: GeneDx Variant Classification Process June 2021. Collection method: clinical testing. Allele origin: germline. Affected: yes.
Comment: In silico analysis supports that this missense variant has a deleterious effect on protein structure/function; Has not been previously published as pathogenic or benign to our knowledge

Ambry Genetics
Classification: Likely benign for Inborn genetic diseases. Last evaluated: 2022-06-29. Review status: criteria provided, single submitter. Criteria: Ambry Variant Classification Scheme 2023. Collection method: clinical testing. Allele origin: germline.

PreventionGenetics, part of Exact Sciences
Classification: Likely benign for EPG5-related condition. Last evaluated: 2024-05-28. Review status: no assertion criteria provided. Collection method: clinical testing. Allele origin: germline. Not counted in ClinVar's aggregate classification.
Comment: This variant is classified as likely benign based on ACMG/AMP sequence variant interpretation guidelines (Richards et al. 2015 PMID: 25741868, with internal and published modifications).